The following is an entry in ClinVar:

NM_032242.4(PLXNA1):c.2580C>T (p.Arg860=)

Gene: PLXNA1 (plexin A1; plus strand). Cytogenetic location: 3q21.3.
Variant type: single nucleotide variant.
Coding change: c.2580C>T on transcript NM_032242.4 (MANE Select); coding-DNA position 2580, C replaced by T.
Protein change: p.Arg860=; no amino-acid change (arginine 860 retained).
Molecular consequence: synonymous variant.
Genome position (GRCh38, 1-based): chr3:127,014,351, C>T. VCF-style: chr3-127014351-C-T. GRCh37 (hg19) VCF-style: chr3-126733194-C-T.
Identifiers: ClinVar variation 3355397 (VCV003355397.1).

ClinVar aggregate classification (germline): Likely benign (0 of 4 stars; one submission).

Conditions:
PLXNA1-related disorder. Also called: PLXNA1-related condition.

gnomAD v4.1: 2 of 1,594,188 alleles (0.00013%); highest among the groups gnomAD compares: Admixed American, 0.0017%; no homozygotes.

Submission:

PreventionGenetics, part of Exact Sciences
Classification: Likely benign for PLXNA1-related condition. Last evaluated: 2022-02-25. Review status: no assertion criteria provided. Collection method: clinical testing. Allele origin: germline.
Comment: This variant is classified as likely benign based on ACMG/AMP sequence variant interpretation guidelines (Richards et al. 2015 PMID: 25741868, with internal and published modifications).